The following is an entry in ClinVar:

NM_001365536.1(SCN9A):c.1748G>C (p.Ser583Thr)

Genes: SCN1A-AS1 (SCN1A and SCN9A antisense RNA 1; plus strand), SCN9A (sodium voltage-gated channel alpha subunit 9; minus strand). Cytogenetic location: 2q24.3.
Variant type: single nucleotide variant.
Coding change: c.1748G>C on transcript NM_001365536.1 (MANE Select); coding-DNA position 1748, G replaced by C.
Protein change: p.Ser583Thr; replaces serine 583 with threonine.
Molecular consequence: missense variant.
Genome position (GRCh38, 1-based): chr2:166,284,679, C>G on the plus strand (G>C on the coding strand, the complement: SCN9A is on the minus strand). VCF-style: chr2-166284679-C-G. GRCh37 (hg19) VCF-style: chr2-167141189-C-G.
Other names: c.1748G>C, p.Ser583Thr (NM_002977.4); short protein forms S583T.
Identifiers: ClinVar variation 3753679 (VCV003753679.2).
Genomic context (GRCh38, chr2:166,284,679, plus strand): 5'-CTGATGTTACTGCTGCGTCGCTCCTGGGGTCTGTGGGGCACAAACAGTGAGCCCCTTCTG[C>G]TCTCATTGTCTCCAAAAATGCTGTGCTCATCATCGGCAAATTCAGTCTCAGATCCTATAT-3'
Protein context (NP_001352465.1, residues 573-593): DEHSIFGDNE[Ser583Thr]RRGSLFVPHR

ClinVar aggregate classification (germline): Uncertain significance (1 of 4 stars; one submission).

Conditions:
Neuropathy, hereditary sensory and autonomic, type 2A (HSAN2A). Also called: ACROOSTEOLYSIS, GIACCAI TYPE; ACROOSTEOLYSIS, NEUROGENIC; WNK1-Related HSAN2 (HSAN2A); MORVAN DISEASE; NEUROPATHY, CONGENITAL SENSORY; NEUROPATHY, HEREDITARY SENSORY RADICULAR, AUTOSOMAL RECESSIVE. Identifiers: Orphanet 970, MedGen C2752089, MONDO:0024309, OMIM 201300.
Generalized epilepsy with febrile seizures plus, type 7 (GEFSP7). Also called: GEFS+, TYPE 7. Identifiers: Orphanet 36387, MedGen C2751778, MONDO:0013470, OMIM 613863.

Submission:

Labcorp Genetics (formerly Invitae), Labcorp
Classification: Uncertain significance for Neuropathy, hereditary sensory and autonomic, type 2A; Generalized epilepsy with febrile seizures plus, type 7. Last evaluated: 2024-06-22. Review status: criteria provided, single submitter. Criteria: Invitae Variant Classification Sherloc (09022015). Collection method: clinical testing. Allele origin: germline.
Comment: This sequence change replaces serine, which is neutral and polar, with threonine, which is neutral and polar, at codon 583 of the SCN9A protein (p.Ser583Thr). This variant is not present in population databases (gnomAD no frequency). This variant has not been reported in the literature in individuals affected with SCN9A-related conditions. Advanced modeling of protein sequence and biophysical properties (such as structural, functional, and spatial information, amino acid conservation, physicochemical variation, residue mobility, and thermodynamic stability) has been performed at Invitae for this missense variant, however the output from this modeling did not meet the statistical confidence thresholds required to predict the impact of this variant on SCN9A protein function. In summary, the available evidence is currently insufficient to determine the role of this variant in disease. Therefore, it has been classified as a Variant of Uncertain Significance.